The following is an entry in ClinVar:

NM_002617.4(PEX10):c.858_870del (p.Pro287fs)

Gene: PEX10 (peroxisomal biogenesis factor 10; minus strand). Cytogenetic location: 1p36.32.
Variant type: Deletion.
Coding change: c.858_870del on transcript NM_002617.4 (MANE Select); coding-DNA positions 858 to 870, 13 bases deleted (GCCCTGCGGCCAC).
Protein change: p.Pro287fs; shifts the reading frame from proline 287.
Molecular consequence: frameshift variant. On other transcripts: non-coding transcript variant (1).
Genome position (GRCh38, 1-based): chr1:2,406,526-2,406,538, GTGGCCGCAGGGC deleted on the plus strand (GCCCTGCGGCCAC on the coding strand, the reverse complement: PEX10 is on the minus strand); deleting any 13 consecutive bases within chr1:2,406,526-2,406,543 gives the same sequence; the c. name uses the placement nearest the transcript's 3' end. VCF-style (leftmost placement, unchanged base first): chr1-2406525-GGTGGCCGCAGGGC-G. GRCh37 (hg19) VCF-style: chr1-2337964-GGTGGCCGCAGGGC-G.
Other names: c.915_927del, p.Pro306fs (NM_001374425.1); c.483_495del, p.Pro162fs (NM_001374426.1); c.426_438del, p.Pro143fs (NM_001374427.1); c.918_930del, p.Pro307fs (NM_153818.2); short protein forms P162fs, P287fs, P306fs, P307fs, P143fs.
Identifiers: ClinVar variation 2893573 (VCV002893573.4), dbSNP rs2522256568, ClinGen allele CA2739272221.
Genomic context (GRCh38, chr1:2,406,525, plus strand): 5'-CAGCAGGCTCCCACCTCACCTTGCTGCTGCACCACGCGGTGATGCACTCCCAGCAGAACA[GGTGGCCGCAGGGC>G]GTGGCTGTTGGGTGCCTGCGCTCCTCCAGGCACAGGGTGCACAGGGGGTTTCTGGAAACG-3'

ClinVar aggregate classification (germline): Pathogenic/Likely pathogenic. Review status: criteria provided, multiple submitters, no conflicts (2 of 4 stars). 2 submissions from 2 submitters: Pathogenic (1); Likely pathogenic (1). Last evaluated 2023-11-26.

Conditions:
Peroxisome biogenesis disorder, complementation group 7 (CG7). Also called: Peroxisome biogenesis disorder, complementation group B. Identifiers: MedGen C1864399.
Peroxisome biogenesis disorder 6A (Zellweger). Also called: Peroxisome biogenesis disorder 6A. Identifiers: Orphanet 912, MedGen C3553947, MONDO:0013936, OMIM 614870.

Submissions (2):

Baylor Genetics
Classification: Likely pathogenic for Peroxisome biogenesis disorder 6A (Zellweger). Last evaluated: 2023-11-26. Review status: criteria provided, single submitter. Criteria: ACMG Guidelines, 2015. Collection method: clinical testing. Allele origin: unknown.

Labcorp Genetics (formerly Invitae), Labcorp
Classification: Pathogenic for Peroxisome biogenesis disorder, complementation group 7. Last evaluated: 2023-04-07. Review status: criteria provided, single submitter. Criteria: Invitae Variant Classification Sherloc (09022015). Collection method: clinical testing. Allele origin: germline.
Comment: This variant is not present in population databases (gnomAD no frequency). This sequence change results in a frameshift in the PEX10 gene (p.Pro307Cysfs*53). While this is not anticipated to result in nonsense mediated decay, it is expected to disrupt the last 40 amino acid(s) of the PEX10 protein and extend the protein by 12 additional amino acid residues. For these reasons, this variant has been classified as Pathogenic. This variant disrupts a region of the PEX10 protein in which other variant(s) (p.Arg331Gln) have been determined to be pathogenic (PMID: 20695019, 27230853). This suggests that this is a clinically significant region of the protein, and that variants that disrupt it are likely to be disease-causing. This variant has not been reported in the literature in individuals affected with PEX10-related conditions.

Literature cited by the submitters: PubMed 20695019 (cited by Labcorp Genetics (formerly Invitae), Labcorp); PubMed 27230853 (cited by Labcorp Genetics (formerly Invitae), Labcorp).